The following is an entry in ClinVar:

NM_002900.3(RBP3):c.2101G>C (p.Val701Leu)

Gene: RBP3 (retinol binding protein 3; plus strand). Cytogenetic location: 10q11.22.
Variant type: single nucleotide variant.
Coding change: c.2101G>C on transcript NM_002900.3 (MANE Select); coding-DNA position 2101, G replaced by C.
Protein change: p.Val701Leu; replaces valine 701 with leucine.
Molecular consequence: missense variant.
Genome position (GRCh38, 1-based): chr10:47,350,585, G>C. VCF-style: chr10-47350585-G-C. GRCh37 (hg19) VCF-style: chr10-48388777-C-G.
Other names: short protein forms V701L.
Identifiers: ClinVar variation 1952123 (VCV001952123.4), dbSNP rs781920668, ClinGen allele CA5487360.
Genomic context (GRCh38, chr10:47,350,585, plus strand): 5'-TCTCTGGCCTCTCAGCTCACAGCAGACCTCCAGGAGGTGTCTGGGGACCACCGCTTGCTA[G>C]TGTTCCACAGCCCTGGCGAGCTGGTGGTAGAGGAAGCACCCCCACCACCCCCTGCTGTCC-3'
Protein context (NP_002891.1, residues 691-711): QEVSGDHRLL[Val701Leu]FHSPGELVVE

ClinVar aggregate classification (germline): Uncertain significance. Review status: criteria provided, multiple submitters, no conflicts (2 of 4 stars). 2 submissions from 2 submitters: Uncertain significance (2). Last evaluated 2022-08-20.

gnomAD v4.1: 33 of 1,612,890 alleles (0.002%); highest among the groups gnomAD compares: South Asian, 0.0044%; no homozygotes.

Submissions (2):

Labcorp Genetics (formerly Invitae), Labcorp
Classification: Uncertain significance. Last evaluated: 2022-08-20. Review status: criteria provided, single submitter. Criteria: Invitae Variant Classification Sherloc (09022015). Collection method: clinical testing. Allele origin: germline.
Comment: In summary, the available evidence is currently insufficient to determine the role of this variant in disease. Therefore, it has been classified as a Variant of Uncertain Significance. Algorithms developed to predict the effect of missense changes on protein structure and function are either unavailable or do not agree on the potential impact of this missense change (SIFT: "Deleterious"; PolyPhen-2: "Benign"; Align-GVGD: "Class C0"). This variant has not been reported in the literature in individuals affected with RBP3-related conditions. This variant is present in population databases (rs781920668, gnomAD 0.002%). This sequence change replaces valine, which is neutral and non-polar, with leucine, which is neutral and non-polar, at codon 701 of the RBP3 protein (p.Val701Leu).

Blueprint Genetics
Classification: Uncertain significance. Last evaluated: 2020-11-12. Review status: criteria provided, single submitter. Criteria: ACMG Guidelines, 2015. Collection method: clinical testing. Allele origin: germline.